The following is an entry in ClinVar:

NM_004656.4(BAP1):c.154T>A (p.Trp52Arg)

Gene: BAP1 (BRCA1 associated deubiquitinase 1; minus strand). Cytogenetic location: 3p21.1.
Variant type: single nucleotide variant.
Coding change: c.154T>A on transcript NM_004656.4 (MANE Select); coding-DNA position 154, T replaced by A.
Protein change: p.Trp52Arg; replaces tryptophan 52 with arginine.
Molecular consequence: missense variant.
Genome position (GRCh38, 1-based): chr3:52,408,575, A>T on the plus strand (T>A on the coding strand, the complement: BAP1 is on the minus strand). VCF-style: chr3-52408575-A-T. GRCh37 (hg19) VCF-style: chr3-52442591-A-T.
Other names: c.154T>A, p.Trp52Arg (NM_001410772.1); short protein forms W52R.
Identifiers: ClinVar variation 1775031 (VCV001775031.2), dbSNP rs2471358486, ClinGen allele CA353113576.

ClinVar aggregate classification (germline): Uncertain significance (1 of 4 stars; one submission).

Conditions:
Hereditary cancer-predisposing syndrome. Also called: Hereditary Cancer Syndrome; Hereditary neoplastic syndrome; Neoplastic Syndromes, Hereditary; Tumor predisposition. Identifiers: Orphanet 140162, MedGen C0027672, MeSH D009386, MONDO:0015356.

Allele frequency attached by ClinVar (database versions not stated): gnomAD exomes below 0.00001.
gnomAD v4.1: 1 of 1,610,608 alleles (0.000062%); highest among the groups gnomAD compares: Non-Finnish European, 0.000085%; no homozygotes.

Submission:

Ambry Genetics
Classification: Uncertain significance for Hereditary cancer-predisposing syndrome. Last evaluated: 2020-09-22. Review status: criteria provided, single submitter. Criteria: Ambry Variant Classification Scheme 2023. Collection method: clinical testing. Allele origin: germline.
Comment: The p.W52R variant (also known as c.154T>A), located in coding exon 4 of the BAP1 gene, results from a T to A substitution at nucleotide position 154. The tryptophan at codon 52 is replaced by arginine, an amino acid with dissimilar properties. This missense alteration is located in a region that has a low rate of benign missense variation (Lek M et al. Nature. 2016 Aug 18;536(7616):285-91; DECIPHER: Database of Chromosomal Imbalance and Phenotype in Humans using Ensembl Resources. Firth H.V. et al. 2009. Am.J.Hum.Genet. 84, 524-533 (DOI)). This amino acid position is highly conserved in available vertebrate species. In addition, this alteration is predicted to be deleterious by in silico analysis. Since supporting evidence is limited at this time, the clinical significance of this alteration remains unclear.